The following is an entry in ClinVar:

ClinVar aggregate classification (germline): Pathogenic (1 of 4 stars; one submission).

Conditions:
Gastrointestinal stromal tumor. Also called: Gastrointestinal stromal tumor, somatic; Gastrointestinal stroma tumor. Identifiers: Orphanet 44890, MedGen C0238198, MeSH D046152, MONDO:0011719, OMIM 606764, HP:0100723.
Pheochromocytoma/paraganglioma syndrome 4. Also called: CAROTID BODY TUMORS AND MULTIPLE EXTRAADRENAL PHEOCHROMOCYTOMAS; SDHB-Related Hereditary Paraganglioma-Pheochromocytoma Syndrome; Paragangliomas 4; SDHB-Related Hereditary Paraganglioma-Pheochromocytoma Syndrome (Paragangliomas 4); PARAGANGLIOMA, FAMILIAL MALIGNANT; PARAGANGLIOMAS, HEREDITARY EXTRAADRENAL. Identifiers: Orphanet 29072, MedGen C1861848, MONDO:0007273, OMIM 115310.
Pheochromocytoma. Also called: MAX-Related Hereditary Paraganglioma-Pheochromocytoma Syndrome. Identifiers: Orphanet 29072, MedGen C0031511, MONDO:0008233, OMIM 171300, HP:0002666.

Submission:

Labcorp Genetics (formerly Invitae), Labcorp
Classification: Pathogenic for Gastrointestinal stromal tumor; Pheochromocytoma/paraganglioma syndrome 4; Pheochromocytoma. Last evaluated: 2021-12-09. Review status: criteria provided, single submitter. Criteria: Invitae Variant Classification Sherloc (09022015). Collection method: clinical testing. Allele origin: germline.
Comment: For these reasons, this variant has been classified as Pathogenic. ClinVar contains an entry for this variant (Variation ID: 951355). This variant has not been reported in the literature in individuals affected with SDHB-related conditions. This variant is not present in population databases (gnomAD no frequency). This sequence change creates a premature translational stop signal (p.Glu175Glyfs*4) in the SDHB gene. It is expected to result in an absent or disrupted protein product. Loss-of-function variants in SDHB are known to be pathogenic (PMID: 19454582, 19802898).

Literature cited by the submitters: PubMed 19454582; PubMed 19802898.

NM_003000.3(SDHB):c.523dup (p.Glu175fs)

Gene: SDHB (succinate dehydrogenase complex iron sulfur subunit B; minus strand). Cytogenetic location: 1p36.13.
Variant type: Duplication.
Coding change: c.523dup on transcript NM_003000.3 (MANE Select); coding-DNA position 523, one base duplicated (G; older notation c.523dupG).
Protein change: p.Glu175fs; shifts the reading frame from glutamic acid 175.
Molecular consequence: frameshift variant.
Genome position (GRCh38, 1-based): chr1:17,027,766, C duplicated on the plus strand (G on the coding strand, the reverse complement: SDHB is on the minus strand). VCF-style (leftmost placement, unchanged base first): chr1-17027765-T-TC. GRCh37 (hg19) VCF-style: chr1-17354260-T-TC.
Other names: short protein forms E175fs.
Identifiers: ClinVar variation 951355 (VCV000951355.7), dbSNP rs2077999421, ClinGen allele CA1139655466.